The following is an entry in ClinVar:

ClinVar aggregate classification (germline): Uncertain significance (1 of 4 stars; one submission).

Conditions:
Curry-Hall syndrome (WAD). Also called: WEYERS ACRODENTAL DYSOSTOSIS. Identifiers: Orphanet 952, MedGen C0457013, MONDO:0008673, OMIM 193530.
Ellis-van Creveld syndrome (EVC). Also called: EVC-Related Ellis-van Creveld Syndrome; EVC2-Related Ellis-van Creveld Syndrome; MESOECTODERMAL DYSPLASIA; Chondroectodermal dysplasia. Identifiers: Orphanet 289, MedGen C0013903, MONDO:0009162, OMIM 225500.

Allele frequency attached by ClinVar (database versions not stated): gnomAD exomes below 0.00001; TOPMed below 0.00001; gnomAD 0.00001.
gnomAD v4.1: 2 of 1,551,090 alleles (0.00013%); highest among the groups gnomAD compares: Admixed American, 0.002%; no homozygotes.

Submission:

Labcorp Genetics (formerly Invitae), Labcorp
Classification: Uncertain significance for Curry-Hall syndrome; Ellis-van Creveld syndrome. Last evaluated: 2024-01-25. Review status: criteria provided, single submitter. Criteria: Invitae Variant Classification Sherloc (09022015). Collection method: clinical testing. Allele origin: germline.
Comment: This sequence change replaces glutamic acid, which is acidic and polar, with alanine, which is neutral and non-polar, at codon 596 of the EVC protein (p.Glu596Ala). This variant is not present in population databases (gnomAD no frequency). This variant has not been reported in the literature in individuals affected with EVC-related conditions. Advanced modeling of protein sequence and biophysical properties (such as structural, functional, and spatial information, amino acid conservation, physicochemical variation, residue mobility, and thermodynamic stability) performed at Invitae indicates that this missense variant is expected to disrupt EVC protein function with a positive predictive value of 80%. In summary, the available evidence is currently insufficient to determine the role of this variant in disease. Therefore, it has been classified as a Variant of Uncertain Significance.

NM_153717.3(EVC):c.1787A>C (p.Glu596Ala)

Gene: EVC (EvC ciliary complex subunit 1; plus strand). Cytogenetic location: 4p16.2.
Variant type: single nucleotide variant.
Coding change: c.1787A>C on transcript NM_153717.3 (MANE Select); coding-DNA position 1787, A replaced by C.
Protein change: p.Glu596Ala; replaces glutamic acid 596 with alanine.
Molecular consequence: missense variant.
Genome position (GRCh38, 1-based): chr4:5,793,618, A>C. VCF-style: chr4-5793618-A-C. GRCh37 (hg19) VCF-style: chr4-5795345-A-C.
Other names: c.1787A>C, p.Glu596Ala (NM_001306090.2); short protein forms E596A.
Identifiers: ClinVar variation 2928116 (VCV002928116.3), dbSNP rs1460341166, ClinGen allele CA356141524.